The following is an entry in ClinVar:

NM_000434.4(NEU1):c.390T>C (p.Asp130=)

Gene: NEU1 (neuraminidase 1; minus strand). Cytogenetic location: 6p21.33.
Variant type: single nucleotide variant.
Coding change: c.390T>C on transcript NM_000434.4 (MANE Select); coding-DNA position 390, T replaced by C.
Protein change: p.Asp130=; no amino-acid change (aspartic acid 130 retained).
Molecular consequence: synonymous variant.
Genome position (GRCh38, 1-based): chr6:31,861,413, A>G on the plus strand (T>C on the coding strand, the complement: NEU1 is on the minus strand). VCF-style: chr6-31861413-A-G. GRCh37 (hg19) VCF-style: chr6-31829190-A-G.
Other names: c.390T>C (NM_000434.3).
Identifiers: ClinVar variation 2076138 (VCV002076138.6), dbSNP rs115468005, ClinGen allele CA3725037.

ClinVar aggregate classification (germline): Likely benign. Review status: criteria provided, single submitter (1 of 4 stars). 2 submissions from 2 submitters: Likely benign (1). 1 of the submissions does not count toward it. Last evaluated 2026-01-28.

Conditions:
NEU1-related disorder. Also called: NEU1-related condition.

Allele frequency attached by ClinVar (database versions not stated): gnomAD exomes 0.00003; ExAC 0.00015; ESP Exome Variant Server 0.00024; gnomAD 0.00040; TOPMed 0.00051; 1000 Genomes Project 30x 0.00094; 1000 Genomes Project 0.00100.
gnomAD v4.1: 107 of 1,612,960 alleles (0.0066%); highest among the groups gnomAD compares: African/African-American, 0.13%; no homozygotes.

Submissions (2):

Labcorp Genetics (formerly Invitae), Labcorp
Classification: Likely benign. Last evaluated: 2026-01-28. Review status: criteria provided, single submitter. Criteria: Invitae Variant Classification Sherloc (09022015). Collection method: clinical testing. Allele origin: germline.

PreventionGenetics, part of Exact Sciences
Classification: Likely benign for NEU1-related condition. Last evaluated: 2022-02-09. Review status: no assertion criteria provided. Collection method: clinical testing. Allele origin: germline. Not counted in ClinVar's aggregate classification.
Comment: This variant is classified as likely benign based on ACMG/AMP sequence variant interpretation guidelines (Richards et al. 2015 PMID: 25741868, with internal and published modifications).